The following is an entry in ClinVar:

NM_007289.4(MME):c.281G>A (p.Arg94His)

Gene: MME (membrane metalloendopeptidase; plus strand). Cytogenetic location: 3q25.2.
Variant type: single nucleotide variant.
Coding change: c.281G>A on transcript NM_007289.4 (MANE Select); coding-DNA position 281, G replaced by A.
Protein change: p.Arg94His; replaces arginine 94 with histidine.
Molecular consequence: missense variant.
Genome position (GRCh38, 1-based): chr3:155,115,078, G>A. VCF-style: chr3-155115078-G-A. GRCh37 (hg19) VCF-style: chr3-154832867-G-A.
Other names: c.281G>A, p.Arg94His (NM_000902.5, NM_001354642.2, NM_001354643.1 and 2 more transcripts); short protein forms R94H.
Identifiers: ClinVar variation 1461936 (VCV001461936.3), dbSNP rs201870091, ClinGen allele CA2675093.

ClinVar aggregate classification (germline): Uncertain significance (1 of 4 stars; one submission).

Allele frequency attached by ClinVar (database versions not stated): gnomAD exomes 0.00001; ExAC 0.00002; gnomAD 0.00002; TOPMed 0.00002.
gnomAD v4.1: 15 of 1,613,972 alleles (0.00093%); highest among the groups gnomAD compares: Admixed American, 0.005%; no homozygotes.

Submission:

Labcorp Genetics (formerly Invitae), Labcorp
Classification: Uncertain significance. Last evaluated: 2021-11-21. Review status: criteria provided, single submitter. Criteria: Invitae Variant Classification Sherloc (09022015). Collection method: clinical testing. Allele origin: germline.
Comment: This sequence change replaces arginine, which is basic and polar, with histidine, which is basic and polar, at codon 94 of the MME protein (p.Arg94His). This variant is present in population databases (rs201870091, gnomAD 0.004%). This variant has not been reported in the literature in individuals affected with MME-related conditions. Algorithms developed to predict the effect of missense changes on protein structure and function output the following: SIFT: "Tolerated"; PolyPhen-2: "Benign"; Align-GVGD: "Class C0". The histidine amino acid residue is found in multiple mammalian species, which suggests that this missense change does not adversely affect protein function. In summary, the available evidence is currently insufficient to determine the role of this variant in disease. Therefore, it has been classified as a Variant of Uncertain Significance.